The following is an entry in ClinVar:

NM_004415.4(DSP):c.1074G>C (p.Trp358Cys)

Gene: DSP (desmoplakin; plus strand). Cytogenetic location: 6p24.3.
Variant type: single nucleotide variant.
Coding change: c.1074G>C on transcript NM_004415.4 (MANE Select); coding-DNA position 1074, G replaced by C.
Protein change: p.Trp358Cys; replaces tryptophan 358 with cysteine.
Molecular consequence: missense variant.
Genome position (GRCh38, 1-based): chr6:7,567,383, G>C. VCF-style: chr6-7567383-G-C. GRCh37 (hg19) VCF-style: chr6-7567616-G-C.
Other names: c.1074G>C, p.Trp358Cys (NM_001008844.3, NM_001319034.2); short protein forms W358C.
Identifiers: ClinVar variation 859022 (VCV000859022.10), dbSNP rs1758893971, ClinGen allele CA362675559.
Genomic context (GRCh38, chr6:7,567,383, plus strand): 5'-GGCTAAGACAGCTGACATTTTCTTGTTTCAGGCCTATATGGACACTCTGCAGACGCAGTG[G>C]AGTTGGATTCTTCAGATCACCAAGTGCATTGATGTTCATCTGAAAGAAAATGCTGCCTAC-3'
Protein context (NP_004406.2, residues 348-368): EAYMDTLQTQ[Trp358Cys]SWILQITKCI

ClinVar aggregate classification (germline): Uncertain significance (1 of 4 stars; one submission).

Conditions:
Arrhythmogenic right ventricular dysplasia 8 (ARVD8). Also called: Arrhythmogenic Right Ventricular Dysplasia/Cardiomyopathy 8; ARRHYTHMOGENIC RIGHT VENTRICULAR DYSPLASIA, FAMILIAL, 8; ARRHYTHMOGENIC RIGHT VENTRICULAR CARDIOMYOPATHY 8. Identifiers: MedGen C1843896, MONDO:0011831, OMIM 607450.
Arrhythmogenic cardiomyopathy with wooly hair and keratoderma. Also called: Arrhythmogenic cardiomyopathy with woolly hair and keratoderma; PALMOPLANTAR KERATODERMA WITH LEFT VENTRICULAR CARDIOMYOPATHY AND WOOLLY HAIR; Dilated cardiomyopathy with woolly hair and keratoderma; Carvajal syndrome. Identifiers: Orphanet 65282, MedGen C1854063, MONDO:0011581, OMIM 605676.

Submission:

Labcorp Genetics (formerly Invitae), Labcorp
Classification: Uncertain significance for Arrhythmogenic cardiomyopathy with wooly hair and keratoderma; Arrhythmogenic right ventricular dysplasia 8. Last evaluated: 2019-01-29. Review status: criteria provided, single submitter. Criteria: Invitae Variant Classification Sherloc (09022015). Collection method: clinical testing. Allele origin: germline.
Comment: In summary, the available evidence is currently insufficient to determine the role of this variant in disease. Therefore, it has been classified as a Variant of Uncertain Significance. Algorithms developed to predict the effect of missense changes on protein structure and function are either unavailable or do not agree on the potential impact of this missense change (SIFT: "Deleterious"; PolyPhen-2: "Probably Damaging"; Align-GVGD: "Class C0"). This variant has not been reported in the literature in individuals with DSP-related conditions. This variant is not present in population databases (ExAC no frequency). This sequence change replaces tryptophan with cysteine at codon 358 of the DSP protein (p.Trp358Cys). The tryptophan residue is highly conserved and there is a large physicochemical difference between tryptophan and cysteine.